The following is an entry in ClinVar:

NM_001042492.3(NF1):c.2126_2135delinsCC (p.Cys709fs)

Gene: NF1 (neurofibromin 1; plus strand). Cytogenetic location: 17q11.2.
Variant type: Indel.
Coding change: c.2126_2135delinsCC on transcript NM_001042492.3 (MANE Select); coding-DNA positions 2126 to 2135, GTTTCCGCCA replaced by CC.
Protein change: p.Cys709fs; shifts the reading frame from cysteine 709.
Molecular consequence: frameshift variant.
Genome position (GRCh38, 1-based): chr17:31,226,559-31,226,568, GTTTCCGCCA replaced by CC. VCF-style: chr17-31226559-GTTTCCGCCA-CC. GRCh37 (hg19) VCF-style: chr17-29553577-GTTTCCGCCA-CC.
Other names: c.2126_2135delGTTTCCGCCAinsCC, p.Cys709Serfs (NM_000267.4, NM_001042492.2); short protein forms C709fs.
Identifiers: ClinVar variation 2690918 (VCV002690918.1), dbSNP rs2508156595, ClinGen allele CA2697559709.

ClinVar aggregate classification (germline): Likely pathogenic (1 of 4 stars; one submission).

Conditions:
Neurofibromatosis, type 1 (NF1). Also called: Peripheral type neurofibromatosis; NEUROFIBROMATOSIS, TYPE I, SOMATIC; Neurofibromatosis, type I; VON RECKLINGHAUSEN DISEASE. Identifiers: Orphanet 636, MedGen C0027831, MONDO:0018975, OMIM 162200. Disease mechanism: loss of function.

Submission:

Johns Hopkins Genomics, Johns Hopkins University
Classification: Likely pathogenic for Neurofibromatosis, type 1. Last evaluated: 2023-08-28. Review status: criteria provided, single submitter. Criteria: ACMG Guidelines, 2015. Collection method: clinical testing. Allele origin: germline.
Comment: This NF1 variant is absent from a large population dataset, and has not been reported in ClinVar nor the literature, to our knowledge. This frameshift variant results in a premature stop codon in exon 18 of 58, likely leading to nonsense-mediated decay and lack of protein production. We consider c.2126_2135delinsCC; p.Cys709fs in NF1 to be likely pathogenic.